The following is an entry in ClinVar:

ClinVar aggregate classification (germline): Uncertain significance (1 of 4 stars; one submission).

Conditions:
Charcot-Marie-Tooth disease axonal type 2O. Also called: CHARCOT-MARIE-TOOTH NEUROPATHY, AXONAL, TYPE 2O; CHARCOT-MARIE-TOOTH DISEASE, AXONAL, AUTOSOMAL DOMINANT, TYPE 2O; Charcot-Marie-Tooth Neuropathy Type 2O; Charcot-Marie-Tooth disease, axonal, type 20. Identifiers: Orphanet 284232, MedGen C3280220, MONDO:0013644, OMIM 614228.

Submission:

Labcorp Genetics (formerly Invitae), Labcorp
Classification: Uncertain significance for Charcot-Marie-Tooth disease axonal type 2O. Last evaluated: 2024-10-18. Review status: criteria provided, single submitter. Criteria: Invitae Variant Classification Sherloc (09022015). Collection method: clinical testing. Allele origin: germline.
Comment: This sequence change replaces leucine, which is neutral and non-polar, with arginine, which is basic and polar, at codon 1982 of the DYNC1H1 protein (p.Leu1982Arg). This variant is not present in population databases (gnomAD no frequency). This variant has not been reported in the literature in individuals affected with DYNC1H1-related conditions. Invitae Evidence Modeling of protein sequence and biophysical properties (such as structural, functional, and spatial information, amino acid conservation, physicochemical variation, residue mobility, and thermodynamic stability) indicates that this missense variant is expected to disrupt DYNC1H1 protein function with a positive predictive value of 80%. In summary, the available evidence is currently insufficient to determine the role of this variant in disease. Therefore, it has been classified as a Variant of Uncertain Significance.

NM_001376.5(DYNC1H1):c.5945T>G (p.Leu1982Arg)

Gene: DYNC1H1 (dynein cytoplasmic 1 heavy chain 1; plus strand). Cytogenetic location: 14q32.31.
Variant type: single nucleotide variant.
Coding change: c.5945T>G on transcript NM_001376.5 (MANE Select); coding-DNA position 5945, T replaced by G.
Protein change: p.Leu1982Arg; replaces leucine 1982 with arginine.
Molecular consequence: missense variant.
Genome position (GRCh38, 1-based): chr14:102,008,305, T>G. VCF-style: chr14-102008305-T-G. GRCh37 (hg19) VCF-style: chr14-102474642-T-G.
Other names: short protein forms L1982R.
Identifiers: ClinVar variation 2744383 (VCV002744383.3), dbSNP rs2503747048, ClinGen allele CA391051922.